The following is an entry in ClinVar:

ClinVar aggregate classification (germline): Uncertain significance (1 of 4 stars; one submission).

Submission:

Labcorp Genetics (formerly Invitae), Labcorp
Classification: Uncertain significance. Last evaluated: 2024-04-09. Review status: criteria provided, single submitter. Criteria: Invitae Variant Classification Sherloc (09022015). Collection method: clinical testing. Allele origin: germline.
Comment: This sequence change affects a donor splice site in intron 3 of the RNASEH1 gene. It is expected to disrupt RNA splicing. Variants that disrupt the donor or acceptor splice site typically lead to a loss of protein function (PMID: 16199547), however the current clinical and genetic evidence is not sufficient to establish whether loss-of-function variants in RNASEH1 cause disease. This variant is not present in population databases (gnomAD no frequency). This variant has not been reported in the literature in individuals affected with RNASEH1-related conditions. ClinVar contains an entry for this variant (Variation ID: 1366821). Algorithms developed to predict the effect of sequence changes on RNA splicing suggest that this variant may disrupt the consensus splice site. In summary, the available evidence is currently insufficient to determine the role of this variant in disease. Therefore, it has been classified as a Variant of Uncertain Significance.

Literature cited by the submitters: PubMed 16199547.

NM_002936.6(RNASEH1):c.409+1G>A

Gene: RNASEH1 (ribonuclease H1; minus strand). Cytogenetic location: 2p25.3.
Variant type: single nucleotide variant.
Coding change: c.409+1G>A on transcript NM_002936.6 (MANE Select); the canonical splice donor site of the intron after coding-DNA position 409, G replaced by A.
Molecular consequence: splice donor variant.
Genome position (GRCh38, 1-based): chr2:3,552,143, C>T on the plus strand (G>A on the coding strand, the complement: RNASEH1 is on the minus strand). VCF-style: chr2-3552143-C-T. GRCh37 (hg19) VCF-style: chr2-3599733-C-T.
Other names: c.409+1G>A (NM_001378272.1, NM_001378273.1, NM_001378271.1); c.331+1G>A (NM_001286834.3); c.58+1G>A (NM_001286837.3).
Identifiers: ClinVar variation 1366821 (VCV001366821.6), dbSNP rs2147744291, ClinGen allele CA345737780.